The following is an entry in ClinVar:

NM_032603.5(LOXL3):c.2107G>A (p.Glu703Lys)

Gene: LOXL3 (lysyl oxidase like 3; minus strand). Cytogenetic location: 2p13.1.
Variant type: single nucleotide variant.
Coding change: c.2107G>A on transcript NM_032603.5 (MANE Select); coding-DNA position 2107, G replaced by A.
Protein change: p.Glu703Lys; replaces glutamic acid 703 with lysine.
Molecular consequence: missense variant.
Genome position (GRCh38, 1-based): chr2:74,533,963, C>T on the plus strand (G>A on the coding strand, the complement: LOXL3 is on the minus strand). VCF-style: chr2-74533963-C-T. GRCh37 (hg19) VCF-style: chr2-74761090-C-T.
Other names: c.1672G>A, p.Glu558Lys (NM_001289164.3); c.1024G>A, p.Glu342Lys (NM_001289165.2); short protein forms E342K, E558K, E703K.
Identifiers: ClinVar variation 1348789 (VCV001348789.7), dbSNP rs2104387228, ClinGen allele CA347384163.

ClinVar aggregate classification (germline): Uncertain significance (1 of 4 stars; one submission).

gnomAD v4.1: 2 of 1,614,200 alleles (0.00012%); highest among the groups gnomAD compares: Non-Finnish European, 0.00017%; no homozygotes.

Submission:

Labcorp Genetics (formerly Invitae), Labcorp
Classification: Uncertain significance. Last evaluated: 2021-04-25. Review status: criteria provided, single submitter. Criteria: Invitae Variant Classification Sherloc (09022015). Collection method: clinical testing. Allele origin: germline.
Comment: In summary, the available evidence is currently insufficient to determine the role of this variant in disease. Therefore, it has been classified as a Variant of Uncertain Significance. Algorithms developed to predict the effect of missense changes on protein structure and function are either unavailable or do not agree on the potential impact of this missense change (SIFT: "Deleterious"; PolyPhen-2: "Probably Damaging"; Align-GVGD: "Class C0"). This variant has not been reported in the literature in individuals with LOXL3-related conditions. This variant is not present in population databases (ExAC no frequency). This sequence change replaces glutamic acid with lysine at codon 703 of the LOXL3 protein (p.Glu703Lys). The glutamic acid residue is highly conserved and there is a small physicochemical difference between glutamic acid and lysine.